The following is an entry in ClinVar:

ClinVar aggregate classification (germline): Uncertain significance (1 of 4 stars; one submission).

Conditions:
Dilated cardiomyopathy 1G (CMD1G). Identifiers: Orphanet 154, MedGen C1858763, MONDO:0011400, OMIM 604145.
Autosomal recessive limb-girdle muscular dystrophy type 2J (LGMDR10). Also called: Limb-girdle muscular dystrophy, type 2J; MUSCULAR DYSTROPHY, LIMB-GIRDLE, AUTOSOMAL RECESSIVE 10. Identifiers: Orphanet 140922, MedGen C1837342, MONDO:0012127, OMIM 608807.

gnomAD v4.1: 1 of 1,613,812 alleles (0.000062%); highest among the groups gnomAD compares: Non-Finnish European, 0.000085%; no homozygotes.

Submission:

Labcorp Genetics (formerly Invitae), Labcorp
Classification: Uncertain significance for Dilated cardiomyopathy 1G; Autosomal recessive limb-girdle muscular dystrophy type 2J. Last evaluated: 2023-09-29. Review status: criteria provided, single submitter. Criteria: Invitae Variant Classification Sherloc (09022015). Collection method: clinical testing. Allele origin: germline.
Comment: In summary, the available evidence is currently insufficient to determine the role of this variant in disease. Therefore, it has been classified as a Variant of Uncertain Significance. This variant is located in the I band of TTN (PMID: 25589632). Truncating variants in this region have been shown to be highly prevalent in the general population and unaffected individuals (PMID: 26701604, 22335739). However, truncating variants in this region have also been reported in individuals affected with autosomal recessive centronuclear myopathy (PMID: 23975875). Algorithms developed to predict the effect of sequence changes on RNA splicing suggest that this variant may disrupt the consensus splice site. This variant has not been reported in the literature in individuals affected with TTN-related conditions. This variant is not present in population databases (gnomAD no frequency). This sequence change creates a premature translational stop signal (p.Glu3609*) in the TTN gene. While this is not anticipated to result in nonsense mediated decay, it is expected to create a truncated TTN protein.

Literature cited by the submitters: PubMed 25589632; PubMed 26701604; PubMed 22335739; PubMed 23975875.

NM_001267550.2(TTN):c.10825G>T (p.Glu3609Ter)

Gene: TTN (titin; minus strand). Cytogenetic location: 2q31.2.
Variant type: single nucleotide variant.
Coding change: c.10825G>T on transcript NM_001267550.2 (MANE Select); coding-DNA position 10825, G replaced by T.
Protein change: p.Glu3609Ter; replaces glutamic acid 3609 with a stop codon.
Molecular consequence: nonsense. On other transcripts: intron variant (5).
Genome position (GRCh38, 1-based): chr2:178,756,651, C>A on the plus strand (G>T on the coding strand, the complement: TTN is on the minus strand). VCF-style: chr2-178756651-C-A. GRCh37 (hg19) VCF-style: chr2-179621378-C-A.
Other names: c.10312G>T, p.Glu3438Ter (NM_133437.4); c.10165+2333G>T (NM_003319.4); c.10540+891G>T (NM_133432.3); c.10303+2333G>T (NM_133378.4, NM_001256850.1, NM_133379.5); short protein forms E3438*, E3609*.
Identifiers: ClinVar variation 2948801 (VCV002948801.3), dbSNP rs1016683077, ClinGen allele CA349670209.